The following is an entry in ClinVar:

NM_152564.5(VPS13B):c.4349A>G (p.His1450Arg)

Gene: VPS13B (vacuolar protein sorting 13 homolog B; plus strand). Cytogenetic location: 8q22.2.
Variant type: single nucleotide variant.
Coding change: c.4349A>G on transcript NM_152564.5 (MANE Select); coding-DNA position 4349, A replaced by G.
Protein change: p.His1450Arg; replaces histidine 1450 with arginine.
Molecular consequence: missense variant.
Genome position (GRCh38, 1-based): chr8:99,511,228, A>G. VCF-style: chr8-99511228-A-G. GRCh37 (hg19) VCF-style: chr8-100523456-A-G.
Other names: c.4424A>G, p.His1475Arg (NM_017890.5); short protein forms H1475R, H1450R.
Identifiers: ClinVar variation 1484523 (VCV001484523.3), dbSNP rs773937982, ClinGen allele CA4823525.

ClinVar aggregate classification (germline): Uncertain significance (1 of 4 stars; one submission).

Conditions:
Cohen syndrome (COH1). Also called: PEPPER SYNDROME; Cutis verticis gyrata, retinitis pigmentosa, and sensorineural deafness. Identifiers: Orphanet 193, MedGen C0265223, MONDO:0008999, OMIM 216550.

Allele frequency attached by ClinVar (database versions not stated): ExAC 0.00001; gnomAD 0.00001; gnomAD exomes 0.00001; TOPMed 0.00003.
gnomAD v4.1: 7 of 1,614,014 alleles (0.00043%); highest among the groups gnomAD compares: Admixed American, 0.005%; no homozygotes.

Submission:

Labcorp Genetics (formerly Invitae), Labcorp
Classification: Uncertain significance for Cohen syndrome. Last evaluated: 2022-04-10. Review status: criteria provided, single submitter. Criteria: Invitae Variant Classification Sherloc (09022015). Collection method: clinical testing. Allele origin: germline.
Comment: This sequence change replaces histidine, which is basic and polar, with arginine, which is basic and polar, at codon 1475 of the VPS13B protein (p.His1475Arg). This variant is present in population databases (rs773937982, gnomAD 0.003%). This variant has not been reported in the literature in individuals affected with VPS13B-related conditions. Algorithms developed to predict the effect of missense changes on protein structure and function are either unavailable or do not agree on the potential impact of this missense change (SIFT: "Not Available"; PolyPhen-2: "Possibly Damaging"; Align-GVGD: "Not Available"). Algorithms developed to predict the effect of sequence changes on RNA splicing suggest that this variant may create or strengthen a splice site. In summary, the available evidence is currently insufficient to determine the role of this variant in disease. Therefore, it has been classified as a Variant of Uncertain Significance.